The following is an entry in ClinVar:

NM_006421.5(ARFGEF1):c.3446C>T (p.Ala1149Val)

Gene: ARFGEF1 (ARF guanine nucleotide exchange factor 1; minus strand). Cytogenetic location: 8q13.2.
Variant type: single nucleotide variant.
Coding change: c.3446C>T on transcript NM_006421.5 (MANE Select); coding-DNA position 3446, C replaced by T.
Protein change: p.Ala1149Val; replaces alanine 1149 with valine.
Molecular consequence: missense variant. On other transcripts: non-coding transcript variant (1).
Genome position (GRCh38, 1-based): chr8:67,228,108, G>A on the plus strand (C>T on the coding strand, the complement: ARFGEF1 is on the minus strand). VCF-style: chr8-67228108-G-A. GRCh37 (hg19) VCF-style: chr8-68140343-G-A.
Other names: c.3446C>T, p.Ala1149Val (NM_001413184.1, NM_001413185.1, NM_001413186.1 and 6 more transcripts); c.2846C>T, p.Ala949Val (NM_001413188.1, NM_001413193.1, NM_001413197.1); c.3440C>T, p.Ala1147Val (NM_001413190.1); c.2021C>T, p.Ala674Val (NM_001413196.1); short protein forms A1147V, A1149V, A674V, A949V.
Identifiers: ClinVar variation 4282227 (VCV004282227.1).

ClinVar aggregate classification (germline): Uncertain significance (1 of 4 stars; one submission).

Submission:

GeneDx
Classification: Uncertain significance. Last evaluated: 2025-04-18. Review status: criteria provided, single submitter. Criteria: GeneDx Variant Classification Process June 2021. Collection method: clinical testing. Allele origin: germline. Affected: yes.
Comment: Not observed at significant frequency in large population cohorts (gnomAD); In silico analysis indicates that this missense variant does not alter protein structure/function; Has not been previously published as pathogenic or benign to our knowledge